The following is an entry in ClinVar:

NC_000006.12:g.15593076TCCT[1]

Gene: DTNBP1 (dystrobrevin binding protein 1; minus strand). Cytogenetic location: 6p22.3.
Variant type: Microsatellite.
Genome position: GRCh38 VCF-style: chr6-15593074-GTTCC-G. GRCh37 (hg19) VCF-style: chr6-15593305-GTTCC-G.
Identifiers: ClinVar variation 2702268 (VCV002702268.3), dbSNP rs2533581626, ClinGen allele CA2697546640.
Genomic context (GRCh38, chr6:15,593,074, plus strand): 5'-ATGAACTCTCAACTACTTTAAAGTGAAGAATTAACACAAAATTACCTTTGAAGGTTTCAA[GTTCC>G]TTCCTGTAGGAAAAAAAAAAAAAAGACAAGACAATGCAAATTAAAAATCTCCCCAATGAA-3'

ClinVar aggregate classification (germline): Pathogenic (1 of 4 stars; one submission).

Submission:

Labcorp Genetics (formerly Invitae), Labcorp
Classification: Pathogenic. Last evaluated: 2025-10-29. Review status: criteria provided, single submitter. Criteria: Invitae Variant Classification Sherloc (09022015). Collection method: clinical testing. Allele origin: germline.
Comment: This sequence change creates a premature translational stop signal (p.Lys164Asnfs*9) in the DTNBP1 gene. It is expected to result in an absent or disrupted protein product. Loss-of-function variants in DTNBP1 are known to be pathogenic (PMID: 12923531, 23364359). This variant is not present in population databases (gnomAD no frequency). This variant has not been reported in the literature in individuals affected with DTNBP1-related conditions. For these reasons, this variant has been classified as Pathogenic.

Literature cited by the submitters: PubMed 12923531; PubMed 23364359.